The following is an entry in ClinVar:

NM_000138.5(FBN1):c.5422_5422+1delinsTT

Gene: FBN1 (fibrillin 1; minus strand). Cytogenetic location: 15q21.1.
Variant type: Indel.
Coding change: c.5422_5422+1delinsTT on transcript NM_000138.5 (MANE Select); coding-DNA position 5422 through the canonical splice donor site of the intron after coding-DNA position 5422, GG replaced by TT.
Molecular consequence: splice donor variant.
Genome position (GRCh38, 1-based): chr15:48,456,636-48,456,637, CC replaced by AA on the plus strand (GG replaced by TT on the coding strand, the reverse complement: FBN1 is on the minus strand). VCF-style: chr15-48456636-CC-AA. GRCh37 (hg19) VCF-style: chr15-48748833-CC-AA.
Other names: c.5422_5422+1delGGinsTT (NM_000138.4).
Identifiers: ClinVar variation 580825 (VCV000580825.6), dbSNP rs1566901570, ClinGen allele CA891844493.
Genomic context (GRCh38, chr15:48,456,636, plus strand): 5'-GTATCAAGTAGCTCATCAGTTAGCTCTTTTCTGGATATGATAAAGTCATGATGCCACTTA[CC>AA]TTCACAAACCAACAACTTGTCATTATAGAAGAATCCCACTGGACATTCACATCGGAAGCT-3'

ClinVar aggregate classification (germline): Likely pathogenic (1 of 4 stars; one submission).

Conditions:
Familial thoracic aortic aneurysm and aortic dissection (TAAD). Also called: Thoracic aortic aneurysms and dissections. Identifiers: Orphanet 91387, MedGen C4707243, MONDO:0019625.
Marfan syndrome (MFS). Also called: FBN1-Related Marfan Syndrome; Marfan syndrome type 1; Marfan's syndrome; Marfan syndrome, classic; MARFAN SYNDROME, TYPE I. Identifiers: Orphanet 284963, Orphanet 558, MedGen C0024796, MONDO:0007947, OMIM 154700.

Submission:

Labcorp Genetics (formerly Invitae), Labcorp
Classification: Likely pathogenic for Marfan syndrome; Familial thoracic aortic aneurysm and aortic dissection. Last evaluated: 2018-06-08. Review status: criteria provided, single submitter. Criteria: Invitae Variant Classification Sherloc (09022015). Collection method: clinical testing. Allele origin: germline.
Comment: This variant has not been reported in the literature in individuals with FBN1-related disease. In summary, the currently available evidence indicates that the variant is pathogenic, but additional data are needed to prove that conclusively. Therefore, this variant has been classified as Likely Pathogenic. Donor and acceptor splice site variants typically lead to a loss of protein function (PMID: 16199547), and loss-of-function variants in FBN1 are known to be pathogenic (PMID: 17657824, 19293843). Algorithms developed to predict the effect of sequence changes on RNA splicing suggest that this variant may disrupt the consensus splice site, but this prediction has not been confirmed by published transcriptional studies. This variant is not present in population databases (ExAC no frequency). This sequence change affects a donor splice site in intron 44 of the FBN1 gene. It is expected to disrupt RNA splicing and likely results in an absent or disrupted protein product.

Literature cited by the submitters: PubMed 16199547; PubMed 17657824; PubMed 19293843.